The following is an entry in ClinVar:

ClinVar aggregate classification (germline): Conflicting classifications of pathogenicity. Review status: criteria provided, conflicting classifications (1 of 4 stars). 6 submissions from 6 submitters: Uncertain significance (2); Likely benign (3). 1 of the submissions does not count toward it. Last evaluated 2026-01-27.

Conditions:
Congenital aneurysm of ascending aorta (AAT1). Also called: Familial thoracic aortic aneurysm; Aortic aneurysm, thoracic; AORTIC ANEURYSM, FAMILIAL THORACIC 1; ANNULOAORTIC ECTASIA. Identifiers: Orphanet 229, MedGen C0345050, MONDO:0024559, OMIM 607086.
Acute aortic dissection. Identifiers: MedGen C0241868.
Cardiovascular phenotype. Identifiers: MedGen CN230736.
Aortic aneurysm, familial thoracic 10 (AAT10). Identifiers: MedGen C4284414, MONDO:0014950, OMIM 617168.

Allele frequency attached by ClinVar (database versions not stated): gnomAD 0.00015 and 0.00016; TOPMed 0.00015; gnomAD exomes 0.00016; ExAC 0.00038.
gnomAD v4.1: 664 of 1,562,440 alleles (0.042%); highest among the groups gnomAD compares: Non-Finnish European, 0.056%; no homozygotes.

Submissions (6):

Labcorp Genetics (formerly Invitae), Labcorp
Classification: Likely benign. Last evaluated: 2026-01-27. Review status: criteria provided, single submitter. Criteria: Invitae Variant Classification Sherloc (09022015). Collection method: clinical testing. Allele origin: germline.

GeneDx
Classification: Uncertain significance. Last evaluated: 2025-05-28. Review status: criteria provided, single submitter. Criteria: GeneDx Variant Classification Process June 2021. Collection method: clinical testing. Allele origin: germline. Affected: yes.
Comment: Identified in two families with thoracic aortic aneurysms (TAA), one of whom harbored an additional disease-causing variant in the ACTA2 gene; authors report p.(A79T) as likely benign (PMID: 26838787); In silico analysis suggests that this missense variant does not alter protein structure/function; This variant is associated with the following publications: (PMID: 26838787)

Blueprint Genetics
Classification: Likely benign. Last evaluated: 2024-09-11. Review status: criteria provided, single submitter. Criteria: ACMG Guidelines, 2015. Collection method: clinical testing. Allele origin: germline.

Women's Health and Genetics/Laboratory Corporation of America, LabCorp
Classification: Uncertain significance. Last evaluated: 2024-04-01. Review status: criteria provided, single submitter. Criteria: LabCorp Variant Classification Summary - May 2015. Collection method: clinical testing. Allele origin: germline.
Comment: Variant summary: LOX c.235G>A (p.Ala79Thr) results in a non-conservative amino acid change in the encoded protein sequence. Four of five in-silico tools predict a benign effect of the variant on protein function. The variant allele was found at a frequency of 0.00016 in 158608 control chromosomes. The observed variant frequency is approximately 99-fold of the estimated maximal expected allele frequency for a pathogenic variant in LOX causing Aortopathy phenotype (1.7e-06), suggesting that the variant could be benign. c.235G>A has been reported in the literature in at least one individual affected with familial thoracic aortic aneurysms and dissections with a reported alternate disease-causing ACTA2 mutation (e.g. Guo_2017). This report does not provide unequivocal conclusions about association of the variant with Aortopathy. To our knowledge, no experimental evidence demonstrating an impact on protein function has been reported. ClinVar contains an entry for this variant (Variation ID: 521345). Based on the evidence outlined above, the variant was classified as uncertain significance.

Ambry Genetics
Classification: Likely benign for Cardiovascular phenotype. Last evaluated: 2023-12-13. Review status: criteria provided, single submitter. Criteria: Ambry Variant Classification Scheme 2023. Collection method: clinical testing. Allele origin: germline.

University of Washington Center for Mendelian Genomics, University of Washington
Classification: Benign for Familial thoracic aortic aneurysms; Acute aortic dissections. Last evaluated: 2016-01-12. Review status: no assertion criteria provided. Collection method: research. Allele origin: unknown. Inheritance: Autosomal dominant inheritance. Affected: yes. Observed: 2 heterozygotes. Not counted in ClinVar's aggregate classification.

Literature cited by the submitters: PubMed 26838787 (cited by Women's Health and Genetics/Laboratory Corporation of America, LabCorp); PMC 4839295 (cited by University of Washington Center for Mendelian Genomics, University of Washington).

NM_002317.7(LOX):c.235G>A (p.Ala79Thr)

Genes: LOX (lysyl oxidase; minus strand), SRFBP1 (serum response factor binding protein 1; plus strand). Cytogenetic location: 5q23.1.
Variant type: single nucleotide variant.
Coding change: c.235G>A on transcript NM_002317.7 (MANE Select); coding-DNA position 235, G replaced by A.
Protein change: p.Ala79Thr; replaces alanine 79 with threonine.
Molecular consequence: missense variant.
Genome position (GRCh38, 1-based): chr5:122,077,751, C>T on the plus strand (G>A on the coding strand, the complement: LOX is on the minus strand). VCF-style: chr5-122077751-C-T. GRCh37 (hg19) VCF-style: chr5-121413446-C-T.
Other names: short protein forms A79T.
Identifiers: ClinVar variation 521345 (VCV000521345.21), dbSNP rs752839330, ClinGen allele CA3384092.